The following is an entry in ClinVar:

ClinVar aggregate classification (germline): Pathogenic (1 of 4 stars; one submission).

Conditions:
Ellis-van Creveld syndrome (EVC). Also called: Chondroectodermal dysplasia; EVC-Related Ellis-van Creveld Syndrome; EVC2-Related Ellis-van Creveld Syndrome; MESOECTODERMAL DYSPLASIA. Identifiers: Orphanet 289, MedGen C0013903, MONDO:0009162, OMIM 225500.
Curry-Hall syndrome (WAD). Also called: WEYERS ACRODENTAL DYSOSTOSIS. Identifiers: Orphanet 952, MedGen C0457013, MONDO:0008673, OMIM 193530.

Submission:

Labcorp Genetics (formerly Invitae), Labcorp
Classification: Pathogenic for Curry-Hall syndrome; Ellis-van Creveld syndrome. Last evaluated: 2021-11-01. Review status: criteria provided, single submitter. Criteria: Invitae Variant Classification Sherloc (09022015). Collection method: clinical testing. Allele origin: germline.
Comment: For these reasons, this variant has been classified as Pathogenic. This variant has not been reported in the literature in individuals affected with EVC2-related conditions. This variant is not present in population databases (gnomAD no frequency). This sequence change creates a premature translational stop signal (p.Gln619Hisfs*39) in the EVC2 gene. It is expected to result in an absent or disrupted protein product. Loss-of-function variants in EVC2 are known to be pathogenic (PMID: 17024374, 19810119, 19876929).

Literature cited by the submitters: PubMed 17024374; PubMed 19810119; PubMed 19876929.

NM_147127.5(EVC2):c.1857_1866del (p.Gln619fs)

Gene: EVC2 (EvC ciliary complex subunit 2; minus strand). Cytogenetic location: 4p16.2.
Variant type: Deletion.
Coding change: c.1857_1866del on transcript NM_147127.5 (MANE Select); coding-DNA positions 1857 to 1866, 10 bases deleted (GCTGACTCAC; older notation c.1857_1866delGCTGACTCAC).
Protein change: p.Gln619fs; shifts the reading frame from glutamine 619.
Molecular consequence: frameshift variant.
Genome position (GRCh38, 1-based): chr4:5,628,579-5,628,588, GTGAGTCAGC deleted on the plus strand (GCTGACTCAC on the coding strand, the reverse complement: EVC2 is on the minus strand). VCF-style (leftmost placement, unchanged base first): chr4-5628578-GGTGAGTCAGC-G. GRCh37 (hg19) VCF-style: chr4-5630305-GGTGAGTCAGC-G.
Other names: c.1617_1626del, p.Gln539fs (NM_001166136.2); short protein forms Q619fs, Q539fs.
Identifiers: ClinVar variation 1423173 (VCV001423173.7), dbSNP rs2108847014, ClinGen allele CA2573138254.
Genomic context (GRCh38, chr4:5,628,578, plus strand): 5'-ACTAAGACAGTTCGCACTGTTGGGACAGTGTTGAGTGGTACCTCTCGTGCTTCTGAATGA[GGTGAGTCAGC>G]TGGGCTGCAGCGGTGCTCAGAAGGCCCTGCACACGGGTCTCTGATGACTGGAGGTTCTGG-3'